The following is an entry in ClinVar:

NM_001085372.3(UQCC3):c.269G>T (p.Gly90Val)

Genes: LBHD1 (LBH domain containing 1; minus strand), UQCC3 (ubiquinol-cytochrome c reductase complex assembly factor 3; plus strand). Cytogenetic location: 11q12.3.
Variant type: single nucleotide variant.
Coding change: c.269G>T on transcript NM_001085372.3 (MANE Select); coding-DNA position 269, G replaced by T.
Protein change: p.Gly90Val; replaces glycine 90 with valine.
Molecular consequence: missense variant. On other transcripts: 5 prime UTR variant (12).
Genome position (GRCh38, 1-based): chr11:62,672,101, G>T. VCF-style: chr11-62672101-G-T. GRCh37 (hg19) VCF-style: chr11-62439573-G-T.
Other names: c.-548C>A (NM_001367940.2, NM_024099.5); c.-1065C>A (NM_001367941.2); c.-354C>A (NM_001394596.1, NM_001394599.1, NM_001394601.1 and 1 more transcripts); c.-596C>A (NM_001394604.1, NM_001394607.1); c.-741C>A (NM_001394609.1); c.-672C>A (NM_001394611.1); c.-996C>A (NM_001394612.1); short protein forms G90V.
Identifiers: ClinVar variation 3686221 (VCV003686221.2).

ClinVar aggregate classification (germline): Uncertain significance (1 of 4 stars; one submission).

gnomAD v4.1: 8 of 1,580,146 alleles (0.00051%); highest among the groups gnomAD compares: Admixed American, 0.0074%; no homozygotes.

Submission:

Labcorp Genetics (formerly Invitae), Labcorp
Classification: Uncertain significance. Last evaluated: 2025-12-15. Review status: criteria provided, single submitter. Criteria: Invitae Variant Classification Sherloc (09022015). Collection method: clinical testing. Allele origin: germline.
Comment: This sequence change replaces glycine, which is neutral and non-polar, with valine, which is neutral and non-polar, at codon 90 of the UQCC3 protein (p.Gly90Val). The frequency data for this variant in the population databases is considered unreliable, as metrics indicate poor data quality at this position in the gnomAD database. This variant has not been reported in the literature in individuals affected with UQCC3-related conditions. ClinVar contains an entry for this variant (Variation ID: 3686221). An algorithm developed to predict the effect of missense changes on protein structure and function (PolyPhen-2) suggests that this variant is likely to be disruptive. In summary, the available evidence is currently insufficient to determine the role of this variant in disease. Therefore, it has been classified as a Variant of Uncertain Significance.